The following is an entry in ClinVar:

ClinVar aggregate classification (germline): Uncertain significance (1 of 4 stars; one submission).

Allele frequency attached by ClinVar (database versions not stated): gnomAD 0.00001; TOPMed 0.00001.
gnomAD v4.1: 1 of 1,612,612 alleles (0.000062%); highest among the groups gnomAD compares: African/African-American, 0.0013%; no homozygotes.

Submission:

Labcorp Genetics (formerly Invitae), Labcorp
Classification: Uncertain significance. Last evaluated: 2024-03-04. Review status: criteria provided, single submitter. Criteria: Invitae Variant Classification Sherloc (09022015). Collection method: clinical testing. Allele origin: germline.
Comment: This sequence change replaces arginine, which is basic and polar, with threonine, which is neutral and polar, at codon 150 of the TMEM126A protein (p.Arg150Thr). This variant is present in population databases (no rsID available, gnomAD 0.01%). This variant has not been reported in the literature in individuals affected with TMEM126A-related conditions. ClinVar contains an entry for this variant (Variation ID: 970179). Algorithms developed to predict the effect of missense changes on protein structure and function output the following: SIFT: "Not Available"; PolyPhen-2: "Benign"; Align-GVGD: "Not Available". The threonine amino acid residue is found in multiple mammalian species, which suggests that this missense change does not adversely affect protein function. In summary, the available evidence is currently insufficient to determine the role of this variant in disease. Therefore, it has been classified as a Variant of Uncertain Significance.

NM_032273.4(TMEM126A):c.449G>C (p.Arg150Thr)

Gene: TMEM126A (transmembrane protein 126A; plus strand). Cytogenetic location: 11q14.1.
Variant type: single nucleotide variant.
Coding change: c.449G>C on transcript NM_032273.4 (MANE Select); coding-DNA position 449, G replaced by C.
Protein change: p.Arg150Thr; replaces arginine 150 with threonine.
Molecular consequence: missense variant.
Genome position (GRCh38, 1-based): chr11:85,656,362, G>C. VCF-style: chr11-85656362-G-C. GRCh37 (hg19) VCF-style: chr11-85367406-G-C.
Other names: c.239G>C, p.Arg80Thr (NM_001244735.2); short protein forms R150T, R80T.
Identifiers: ClinVar variation 970179 (VCV000970179.9), dbSNP rs991954040, ClinGen allele CA225304938.